The following is an entry in ClinVar:

ClinVar aggregate classification (germline): Pathogenic. Review status: criteria provided, multiple submitters, no conflicts (2 of 4 stars). 2 submissions from 2 submitters: Pathogenic (2). Last evaluated 2024-05-08.

Conditions:
Hypertrophic osteoarthropathy, primary, autosomal recessive, 2 (PHOAR2E). Also called: PACHYDERMOPERIOSTOSIS, AUTOSOMAL RECESSIVE; PDP, AUTOSOMAL RECESSIVE; HYPERTROPHIC OSTEOARTHROPATHY, PRIMARY, AUTOSOMAL RECESSIVE, 2/ENTEROPATHY SYNDROME; PHOAR2-enteropathy syndrome. Identifiers: Orphanet 2796, MedGen C3280800, MONDO:0013756, OMIM 614441.
SLCO2A1-related disorder. Also called: SLCO2A1-related condition.

gnomAD v4.1: 5 of 1,613,066 alleles (0.00031%); highest among the groups gnomAD compares: East Asian, 0.0067%; no homozygotes.

Submissions (2):

Blueprint Genetics
Classification: Pathogenic for SLCO2A1-related disorders. Last evaluated: 2024-05-08. Review status: criteria provided, single submitter. Criteria: ACMG Guidelines, 2015. Collection method: clinical testing. Allele origin: germline. Affected: yes. Observed: 1 variant allele.

Juno Genomics, Hangzhou Juno Genomics, Inc
Classification: Pathogenic for Hypertrophic osteoarthropathy, primary, autosomal recessive, 2. Review status: criteria provided, single submitter. Criteria: ACMG Guidelines, 2015. Collection method: clinical testing. Allele origin: germline. Affected: yes.
Comment: Absent from controls (or at extremely low frequency if recessive) in Genome Aggregation Database, Exome Sequencing Project, 1000 Genomes Project, or Exome Aggregation Consortium.;Null variant in a gene where loss of function (LOF) is a known mechanism of disease.;For recessive disorders, detected in trans with a pathogenic variant.;Patient's phenotype or family history is highly specific for a disease with a single genetic etiology.

NM_005630.3(SLCO2A1):c.941-1G>A

Gene: SLCO2A1 (solute carrier organic anion transporter family member 2A1; minus strand). Cytogenetic location: 3q22.1.
Variant type: single nucleotide variant.
Coding change: c.941-1G>A on transcript NM_005630.3 (MANE Select); the canonical splice acceptor site of the intron before coding-DNA position 941, G replaced by A.
Molecular consequence: splice acceptor variant.
Genome position (GRCh38, 1-based): chr3:133,948,701, C>T on the plus strand (G>A on the coding strand, the complement: SLCO2A1 is on the minus strand). VCF-style: chr3-133948701-C-T. GRCh37 (hg19) VCF-style: chr3-133667545-C-T.
Identifiers: ClinVar variation 4531214 (VCV004531214.2).